The following is an entry in ClinVar:

NM_002223.4(ITPR2):c.5874T>C (p.Phe1958=)

Gene: ITPR2 (inositol 1,4,5-trisphosphate receptor type 2; minus strand). Cytogenetic location: 12p11.23.
Variant type: single nucleotide variant.
Coding change: c.5874T>C on transcript NM_002223.4 (MANE Select); coding-DNA position 5874, T replaced by C.
Protein change: p.Phe1958=; no amino-acid change (phenylalanine 1958 retained).
Molecular consequence: synonymous variant.
Genome position (GRCh38, 1-based): chr12:26,483,836, A>G on the plus strand (T>C on the coding strand, the complement: ITPR2 is on the minus strand). VCF-style: chr12-26483836-A-G. GRCh37 (hg19) VCF-style: chr12-26636769-A-G.
Other names: c.5871T>C, p.Phe1957= (NM_001414174.1); c.5874T>C, p.Phe1958= (NM_001414175.1).
Identifiers: ClinVar variation 3033955 (VCV003033955.2), dbSNP rs139925842, ClinGen allele CA6488628.
Genomic context (GRCh38, chr12:26,483,836, plus strand): 5'-ATTGATGTAGAGACCCAACAGGCCCAGGCCACCGGTTGTACTTCCACAAATGCAGTCCAG[A>G]AACTGAAGGGTCTCACAGACTAGGTTGTAATTTGTTTTGTTGTTTTGATTCCTCAAGAAG-3'
Protein context (NP_002214.2, residues 1948-1968): NYNLVCETLQ[Phe1958=]LDCICGSTTG

ClinVar aggregate classification (germline): Likely benign (0 of 4 stars; one submission).

Conditions:
ITPR2-related disorder. Also called: ITPR2-related condition.

Allele frequency attached by ClinVar (database versions not stated): ESP Exome Variant Server 0.00025; TOPMed 0.00036; 1000 Genomes Project 0.00040; gnomAD 0.00040; ExAC 0.00041; 1000 Genomes Project 30x 0.00047.
gnomAD v4.1: 719 of 1,614,206 alleles (0.045%); highest among the groups gnomAD compares: Non-Finnish European, 0.055%; no homozygotes.

Submission:

PreventionGenetics, part of Exact Sciences
Classification: Likely benign for ITPR2-related condition. Last evaluated: 2019-10-28. Review status: no assertion criteria provided. Collection method: clinical testing. Allele origin: germline.
Comment: This variant is classified as likely benign based on ACMG/AMP sequence variant interpretation guidelines (Richards et al. 2015 PMID: 25741868, with internal and published modifications).